The following is an entry in ClinVar:

ClinVar aggregate classification (germline): Likely benign. Review status: criteria provided, multiple submitters, no conflicts (2 of 4 stars). 3 submissions from 3 submitters: Likely benign (3). Last evaluated 2023-08-08.

Conditions:
Wilson disease (WND). Also called: Wilson's disease. Identifiers: Orphanet 905, MedGen C0019202, MONDO:0010200, OMIM 277900. Disease mechanism: loss of function.

Allele frequency attached by ClinVar (database versions not stated): gnomAD exomes below 0.00001 and 0.00001; TOPMed below 0.00001.
gnomAD v4.1: 7 of 1,595,974 alleles (0.00044%); highest among the groups gnomAD compares: Non-Finnish European, 0.0006%; no homozygotes.

Submissions (3):

All of Us Research Program, National Institutes of Health
Classification: Likely benign for Wilson disease. Last evaluated: 2023-08-08. Review status: criteria provided, single submitter. Criteria: ACMG Guidelines, 2015. Collection method: clinical testing. Allele origin: germline. Inheritance: Autosomal recessive inheritance. Observed: 1 variant allele, 1 heterozygote.
Comment: This study involves interpretation of variants in research participants for the purpose of population health screening. Participant phenotype was not available at the time of variant classification. Additional details can be found in publication PMID: 35346344, PMCID: PMC8962531

Labcorp Genetics (formerly Invitae), Labcorp
Classification: Likely benign for Wilson disease. Last evaluated: 2023-06-17. Review status: criteria provided, single submitter. Criteria: Invitae Variant Classification Sherloc (09022015). Collection method: clinical testing. Allele origin: germline.

Color Diagnostics, LLC DBA Color Health
Classification: Likely benign for Wilson disease. Last evaluated: 2023-06-07. Review status: criteria provided, single submitter. Criteria: ACMG Guidelines, 2015. Collection method: clinical testing. Allele origin: germline.

NM_000053.4(ATP7B):c.3039G>A (p.Lys1013=)

Gene: ATP7B (ATPase copper transporting beta; minus strand). Cytogenetic location: 13q14.3.
Variant type: single nucleotide variant.
Coding change: c.3039G>A on transcript NM_000053.4 (MANE Select); coding-DNA position 3039, G replaced by A.
Protein change: p.Lys1013=; no amino-acid change (lysine 1013 retained).
Molecular consequence: synonymous variant.
Genome position (GRCh38, 1-based): chr13:51,946,305, C>T on the plus strand (G>A on the coding strand, the complement: ATP7B is on the minus strand). VCF-style: chr13-51946305-C-T. GRCh37 (hg19) VCF-style: chr13-52520441-C-T.
Other names: c.2418G>A, p.Lys806= (NM_001005918.3); c.2706G>A, p.Lys902= (NM_001243182.2); c.2805G>A, p.Lys935= (NM_001330578.2); c.2787G>A, p.Lys929= (NM_001330579.2).
Identifiers: ClinVar variation 1156053 (VCV001156053.12), dbSNP rs535112212, ClinGen allele CA250082033.